The following is an entry in ClinVar:

ClinVar aggregate classification (germline): Uncertain significance. Review status: criteria provided, single submitter (1 of 4 stars). 2 submissions from 2 submitters: Uncertain significance (1). 1 of the submissions does not count toward it. Last evaluated 2025-08-18.

Conditions:
Usher syndrome type 3B. Also called: USHER SYNDROME, TYPE IIIB. Identifiers: MedGen C3281066, MONDO:0013788, OMIM 614504.
HARS1-related disorder. Also called: HARS1-related condition.

Allele frequency attached by ClinVar (database versions not stated): gnomAD exomes 0.00001; TOPMed 0.00001.

Submissions (2):

Labcorp Genetics (formerly Invitae), Labcorp
Classification: Uncertain significance for Usher syndrome type 3B. Last evaluated: 2025-08-18. Review status: criteria provided, single submitter. Criteria: Invitae Variant Classification Sherloc (09022015). Collection method: clinical testing. Allele origin: germline.
Comment: This sequence change replaces proline, which is neutral and non-polar, with arginine, which is basic and polar, at codon 261 of the HARS protein (p.Pro261Arg). This variant is present in population databases (no rsID available, gnomAD 0.009%). This variant has not been reported in the literature in individuals affected with HARS-related conditions. ClinVar contains an entry for this variant (Variation ID: 569771). Invitae Evidence Modeling of protein sequence and biophysical properties (such as structural, functional, and spatial information, amino acid conservation, physicochemical variation, residue mobility, and thermodynamic stability) indicates that this missense variant is not expected to disrupt HARS protein function with a negative predictive value of 80%. In summary, the available evidence is currently insufficient to determine the role of this variant in disease. Therefore, it has been classified as a Variant of Uncertain Significance.

PreventionGenetics, part of Exact Sciences
Classification: Uncertain significance for HARS1-related condition. Last evaluated: 2024-07-12. Review status: no assertion criteria provided. Collection method: clinical testing. Allele origin: germline. Not counted in ClinVar's aggregate classification.
Comment: The HARS1 c.782C>G variant is predicted to result in the amino acid substitution p.Pro261Arg. To our knowledge, this variant has not been reported in the literature. This variant is reported in 0.0087% of alleles in individuals of Latino descent in gnomAD, including one homozygote. At this time, the clinical significance of this variant is uncertain due to the absence of conclusive functional and genetic evidence.

NM_002109.6(HARS1):c.782C>G (p.Pro261Arg)

Gene: HARS1 (histidyl-tRNA synthetase 1; minus strand). Cytogenetic location: 5q31.3.
Variant type: single nucleotide variant.
Coding change: c.782C>G on transcript NM_002109.6 (MANE Select); coding-DNA position 782, C replaced by G.
Protein change: p.Pro261Arg; replaces proline 261 with arginine.
Molecular consequence: missense variant.
Genome position (GRCh38, 1-based): chr5:140,677,368, G>C on the plus strand (C>G on the coding strand, the complement: HARS1 is on the minus strand). VCF-style: chr5-140677368-G-C. GRCh37 (hg19) VCF-style: chr5-140056953-G-C.
Other names: c.662C>G, p.Pro221Arg (NM_001258040.3); c.722C>G, p.Pro241Arg (NM_001258041.3); c.602C>G, p.Pro201Arg (NM_001258042.3); c.560C>G, p.Pro187Arg (NM_001289092.2); c.440C>G, p.Pro147Arg (NM_001289093.2); c.695C>G, p.Pro232Arg (NM_001289094.2); short protein forms P261R, P221R, P187R, P232R, P241R, P147R, P201R.
Identifiers: ClinVar variation 569771 (VCV000569771.7), dbSNP rs1319398620, ClinGen allele CA361253885.